The following is an entry in ClinVar:

ClinVar aggregate classification (germline): Uncertain significance. Review status: criteria provided, multiple submitters, no conflicts (2 of 4 stars). 2 submissions from 2 submitters: Uncertain significance (2). Last evaluated 2025-10-07.

Conditions:
Baller-Gerold syndrome (BGS). Also called: CRANIOSYNOSTOSIS WITH RADIAL DEFECTS. Identifiers: Orphanet 1225, MedGen C0265308, MONDO:0009039, OMIM 218600.

Allele frequency attached by ClinVar (database versions not stated): TOPMed 0.00001; ExAC 0.00002; gnomAD exomes 0.00002; gnomAD 0.00003; 1000 Genomes Project 30x 0.00031.
gnomAD v4.1: 34 of 1,613,340 alleles (0.0021%); highest among the groups gnomAD compares: East Asian, 0.013%; no homozygotes.

Submissions (2):

Labcorp Genetics (formerly Invitae), Labcorp
Classification: Uncertain significance for Baller-Gerold syndrome. Last evaluated: 2025-10-07. Review status: criteria provided, single submitter. Criteria: Invitae Variant Classification Sherloc (09022015). Collection method: clinical testing. Allele origin: germline.
Comment: This sequence change replaces proline, which is neutral and non-polar, with serine, which is neutral and polar, at codon 324 of the RECQL4 protein (p.Pro324Ser). This variant is present in population databases (rs781105713, gnomAD 0.02%). This variant has not been reported in the literature in individuals affected with RECQL4-related conditions. ClinVar contains an entry for this variant (Variation ID: 651991). Experimental studies and prediction algorithms are not available or were not evaluated, and the functional significance of this variant is currently unknown. In summary, the available evidence is currently insufficient to determine the role of this variant in disease. Therefore, it has been classified as a Variant of Uncertain Significance.

CeGaT Center for Human Genetics Tuebingen
Classification: Uncertain significance. Last evaluated: 2022-07-01. Review status: criteria provided, single submitter. Criteria: CeGaT Center For Human Genetics Tuebingen Variant Classification Criteria Version 2. Collection method: clinical testing. Allele origin: germline. Affected: yes. Observed: 1 variant allele.
Comment: RECQL4: PM2:Supporting, BP4

NM_004260.4(RECQL4):c.970C>T (p.Pro324Ser)

Gene: RECQL4 (RecQ like helicase 4; minus strand). Cytogenetic location: 8q24.3.
Variant type: single nucleotide variant.
Coding change: c.970C>T on transcript NM_004260.4 (MANE Select); coding-DNA position 970, C replaced by T.
Protein change: p.Pro324Ser; replaces proline 324 with serine.
Molecular consequence: missense variant.
Genome position (GRCh38, 1-based): chr8:144,516,149, G>A on the plus strand (C>T on the coding strand, the complement: RECQL4 is on the minus strand). VCF-style: chr8-144516149-G-A. GRCh37 (hg19) VCF-style: chr8-145741533-G-A.
Other names: short protein forms P324S.
Identifiers: ClinVar variation 651991 (VCV000651991.30), dbSNP rs781105713, ClinGen allele CA4949122.